The following is an entry in ClinVar:

NM_002547.3(OPHN1):c.2120A>G (p.Lys707Arg)

Gene: OPHN1 (oligophrenin 1; minus strand). Cytogenetic location: Xq12.
Variant type: single nucleotide variant.
Coding change: c.2120A>G on transcript NM_002547.3 (MANE Select); coding-DNA position 2120, A replaced by G.
Protein change: p.Lys707Arg; replaces lysine 707 with arginine.
Molecular consequence: missense variant.
Genome position (GRCh38, 1-based): chrX:68,063,892, T>C on the plus strand (A>G on the coding strand, the complement: OPHN1 is on the minus strand). VCF-style: chrX-68063892-T-C. GRCh37 (hg19) VCF-style: chrX-67283734-T-C.
Other names: short protein forms K707R.
Identifiers: ClinVar variation 3924188 (VCV003924188.2).

ClinVar aggregate classification (germline): Uncertain significance. Review status: criteria provided, multiple submitters, no conflicts (2 of 4 stars). 2 submissions from 2 submitters: Uncertain significance (2). Last evaluated 2026-04-02.

Conditions:
Inborn genetic diseases. Identifiers: MedGen C0950123, MeSH D030342.

Submissions (2):

GeneDx
Classification: Uncertain significance. Last evaluated: 2026-04-02. Review status: criteria provided, single submitter. Criteria: GeneDx Variant Classification Process June 2021. Collection method: clinical testing. Allele origin: germline.
Comment: Not observed at significant frequency in large population cohorts (gnomAD); In silico analysis suggests that this missense variant does not alter protein structure/function; Has not been previously published as pathogenic or benign to our knowledge

Ambry Genetics
Classification: Uncertain significance for Inborn genetic diseases. Last evaluated: 2025-03-27. Review status: criteria provided, single submitter. Criteria: Ambry Variant Classification Scheme 2023. Collection method: clinical testing. Allele origin: germline.